The following is an entry in ClinVar:

ClinVar aggregate classification (germline): Uncertain significance (1 of 4 stars; one submission).

Conditions:
Dilated cardiomyopathy 1W (CMD1W). Identifiers: Orphanet 154, MedGen C1969639, MONDO:0012667, OMIM 611407.

Allele frequency attached by ClinVar (database versions not stated): TOPMed below 0.00001.

Submission:

Labcorp Genetics (formerly Invitae), Labcorp
Classification: Uncertain significance for Dilated cardiomyopathy 1W. Last evaluated: 2024-05-07. Review status: criteria provided, single submitter. Criteria: Invitae Variant Classification Sherloc (09022015). Collection method: clinical testing. Allele origin: germline.
Comment: This sequence change replaces lysine, which is basic and polar, with asparagine, which is neutral and polar, at codon 210 of the VCL protein (p.Lys210Asn). This variant is not present in population databases (gnomAD no frequency). This variant has not been reported in the literature in individuals affected with VCL-related conditions. An algorithm developed to predict the effect of missense changes on protein structure and function (PolyPhen-2) suggests that this variant is likely to be disruptive. In summary, the available evidence is currently insufficient to determine the role of this variant in disease. Therefore, it has been classified as a Variant of Uncertain Significance.

NM_014000.3(VCL):c.630G>T (p.Lys210Asn)

Gene: VCL (vinculin; plus strand). Cytogenetic location: 10q22.2.
Variant type: single nucleotide variant.
Coding change: c.630G>T on transcript NM_014000.3 (MANE Select); coding-DNA position 630, G replaced by T.
Protein change: p.Lys210Asn; replaces lysine 210 with asparagine.
Molecular consequence: missense variant.
Genome position (GRCh38, 1-based): chr10:74,074,750, G>T. VCF-style: chr10-74074750-G-T. GRCh37 (hg19) VCF-style: chr10-75834508-G-T.
Other names: c.630G>T, p.Lys210Asn (NM_003373.4); short protein forms K210N.
Identifiers: ClinVar variation 2911820 (VCV002911820.3), dbSNP rs1839555371, ClinGen allele CA377268210.